The following is an entry in ClinVar:

ClinVar aggregate classification (germline): Uncertain significance. Review status: criteria provided, multiple submitters, no conflicts (2 of 4 stars). 2 submissions from 2 submitters: Uncertain significance (2). Last evaluated 2022-10-05.

Allele frequency attached by ClinVar (database versions not stated): ExAC 0.00001.
gnomAD v4.1: 12 of 1,610,434 alleles (0.00075%); highest among the groups gnomAD compares: Non-Finnish European, 0.00093%; no homozygotes.

Submissions (2):

Labcorp Genetics (formerly Invitae), Labcorp
Classification: Uncertain significance. Last evaluated: 2022-10-05. Review status: criteria provided, single submitter. Criteria: Invitae Variant Classification Sherloc (09022015). Collection method: clinical testing. Allele origin: germline.
Comment: This sequence change replaces threonine, which is neutral and polar, with alanine, which is neutral and non-polar, at codon 465 of the IARS protein (p.Thr465Ala). This variant is present in population databases (rs764069993, gnomAD 0.0009%). This variant has not been reported in the literature in individuals affected with IARS-related conditions. Algorithms developed to predict the effect of missense changes on protein structure and function are either unavailable or do not agree on the potential impact of this missense change (SIFT: "Deleterious"; PolyPhen-2: "Probably Damaging"; Align-GVGD: "Class C0"). In summary, the available evidence is currently insufficient to determine the role of this variant in disease. Therefore, it has been classified as a Variant of Uncertain Significance.

Ambry Genetics
Classification: Uncertain significance. Last evaluated: 2022-06-03. Review status: criteria provided, single submitter. Criteria: Ambry Variant Classification Scheme 2023. Collection method: clinical testing. Allele origin: germline.

NM_002161.6(IARS1):c.1393A>G (p.Thr465Ala)

Gene: IARS1 (isoleucyl-tRNA synthetase 1; minus strand). Cytogenetic location: 9q22.31.
Variant type: single nucleotide variant.
Coding change: c.1393A>G on transcript NM_002161.6 (MANE Select); coding-DNA position 1393, A replaced by G.
Protein change: p.Thr465Ala; replaces threonine 465 with alanine.
Molecular consequence: missense variant. On other transcripts: non-coding transcript variant (1).
Genome position (GRCh38, 1-based): chr9:92,268,212, T>C on the plus strand (A>G on the coding strand, the complement: IARS1 is on the minus strand). VCF-style: chr9-92268212-T-C. GRCh37 (hg19) VCF-style: chr9-95030494-T-C.
Other names: c.1393A>G, p.Thr465Ala (NM_001374299.1, NM_001374300.1, NM_001374301.1 and 14 more transcripts); c.1456A>G, p.Thr486Ala (NM_001378569.1); c.1414A>G, p.Thr472Ala (NM_001378571.1); c.1270A>G, p.Thr424Ala (NM_001378583.1); c.1393A>G (NM_013417.2); short protein forms T424A, T465A, T472A, T486A.
Identifiers: ClinVar variation 1953781 (VCV001953781.3), dbSNP rs764069993, ClinGen allele CA5122635.